The following is an entry in ClinVar:

ClinVar aggregate classification (germline): Uncertain significance (1 of 4 stars; one submission).

Conditions:
Dyskeratosis congenita, autosomal recessive 6 (DKCB6). Identifiers: MedGen C4225356, MONDO:0014600, OMIM 616353.
Pulmonary fibrosis and/or bone marrow failure, Telomere-related, 4. Also called: PULMONARY FIBROSIS AND/OR BONE MARROW FAILURE SYNDROME, TELOMERE-RELATED, 4. Identifiers: Orphanet 2032, MedGen C4225347, MONDO:0014612, OMIM 616371.

Submission:

Labcorp Genetics (formerly Invitae), Labcorp
Classification: Uncertain significance for Dyskeratosis congenita, autosomal recessive 6; Pulmonary fibrosis and/or bone marrow failure, Telomere-related, 4. Last evaluated: 2025-12-15. Review status: criteria provided, single submitter. Criteria: Invitae Variant Classification Sherloc (09022015). Collection method: clinical testing. Allele origin: germline.
Comment: This sequence change replaces methionine, which is neutral and non-polar, with leucine, which is neutral and non-polar, at codon 393 of the PARN protein (p.Met393Leu). This variant is present in population databases (no rsID available, gnomAD 0.003%). This variant has not been reported in the literature in individuals affected with PARN-related conditions. ClinVar contains an entry for this variant (Variation ID: 2944819). Invitae Evidence Modeling of protein sequence and biophysical properties (such as structural, functional, and spatial information, amino acid conservation, physicochemical variation, residue mobility, and thermodynamic stability) indicates that this missense variant is not expected to disrupt PARN protein function with a negative predictive value of 80%. In summary, the available evidence is currently insufficient to determine the role of this variant in disease. Therefore, it has been classified as a Variant of Uncertain Significance.

NM_002582.4(PARN):c.1177A>C (p.Met393Leu)

Gene: PARN (poly(A)-specific ribonuclease; minus strand). Cytogenetic location: 16p13.12.
Variant type: single nucleotide variant.
Coding change: c.1177A>C on transcript NM_002582.4 (MANE Select); coding-DNA position 1177, A replaced by C.
Protein change: p.Met393Leu; replaces methionine 393 with leucine.
Molecular consequence: missense variant.
Genome position (GRCh38, 1-based): chr16:14,582,196, T>G on the plus strand (A>C on the coding strand, the complement: PARN is on the minus strand). VCF-style: chr16-14582196-T-G. GRCh37 (hg19) VCF-style: chr16-14676053-T-G.
Other names: c.994A>C, p.Met332Leu (NM_001134477.3); c.1039A>C, p.Met347Leu (NM_001242992.2); short protein forms M393L, M332L, M347L.
Identifiers: ClinVar variation 2944819 (VCV002944819.3), dbSNP rs1216169026, ClinGen allele CA394801542.
Genomic context (GRCh38, chr16:14,582,196, plus strand): 5'-ACCCTAGATCACTGCGTGTTTGACTGAAAGACATGTAATGCGTACCTAGGTAATTGGCCA[T>G]GGAGATGAAGCACAGCCCTGTGATGTAGGCATCGTAGCCTGCCTCGTGGAGTTGTTCAGA-3'
Protein context (NP_002573.1, residues 383-403): AYITGLCFIS[Met393Leu]ANYLGSFLSP